The following is an entry in ClinVar:

ClinVar aggregate classification (germline): Uncertain significance. Review status: criteria provided, multiple submitters, no conflicts (2 of 4 stars). 3 submissions from 3 submitters: Uncertain significance (3). Last evaluated 2025-10-22.

Conditions:
TTN-related disorder. Also called: TTN-related condition; TTN-related disease; TTN-related disorders.
Tibial muscular dystrophy (TMD). Also called: UDD MYOPATHY; Tibial muscular dystrophy, tardive; Udd Distal Myopathy – Tibial Muscular Dystrophy. Identifiers: Orphanet 609, MedGen C1838244, MONDO:0010870, OMIM 600334.
Myopathy, myofibrillar, 9, with early respiratory failure (MFM9). Also called: Hereditary myopathy with early respiratory failure; EDSTROM MYOPATHY; MYOPATHY, PROXIMAL, WITH EARLY RESPIRATORY MUSCLE INVOLVEMENT; Myopathy, distal, with early respiratory failure, autosomal dominant. Identifiers: Orphanet 178464, Orphanet 34521, MedGen C1863599, MONDO:0011362, OMIM 603689.
Early-onset myopathy with fatal cardiomyopathy (CMYO5). Also called: Salih Myopathy; CONGENITAL MYOPATHY 5 WITH CARDIOMYOPATHY. Identifiers: Orphanet 289377, MedGen C2673677, MONDO:0012714, OMIM 611705. Disease mechanism: loss of function.
Dilated cardiomyopathy 1G (CMD1G). Identifiers: Orphanet 154, MedGen C1858763, MONDO:0011400, OMIM 604145.
Autosomal recessive limb-girdle muscular dystrophy type 2J (LGMDR10). Also called: Limb-girdle muscular dystrophy, type 2J; MUSCULAR DYSTROPHY, LIMB-GIRDLE, AUTOSOMAL RECESSIVE 10. Identifiers: Orphanet 140922, MedGen C1837342, MONDO:0012127, OMIM 608807.
Hypertrophic cardiomyopathy 9. Also called: Familial hypertrophic cardiomyopathy 9. Identifiers: MedGen C1861065, MONDO:0013412, OMIM 613765.

gnomAD v4.1: 66 of 1,613,926 alleles (0.0041%); highest among the groups gnomAD compares: Non-Finnish European, 0.0053%; no homozygotes.

Submissions (3):

PreventionGenetics, part of Exact Sciences
Classification: Uncertain significance for TTN-related condition. Last evaluated: 2025-10-22. Review status: criteria provided, single submitter. Criteria: ACMG Guidelines, 2015. Collection method: clinical testing. Allele origin: germline.
Comment: The TTN c.7375G>A variant is predicted to result in the amino acid substitution p.Gly2459Ser. To our knowledge, this variant has not been reported in the literature. This variant is reported in 0.0040% of alleles in individuals of African descent in gnomAD. At this time, the clinical significance of this variant is uncertain due to the absence of conclusive functional and genetic evidence.

Revvity Omics, Revvity
Classification: Uncertain significance. Last evaluated: 2025-04-06. Review status: criteria provided, single submitter. Criteria: ACMG Guidelines, 2015. Collection method: clinical testing. Allele origin: germline.

Department of Pathology and Laboratory Medicine, Sinai Health System
Classification: Uncertain significance for Tibial muscular dystrophy; Myopathy, myofibrillar, 9, with early respiratory failure; Dilated cardiomyopathy 1G; Autosomal recessive limb-girdle muscular dystrophy type 2J; Early-onset myopathy with fatal cardiomyopathy; Hypertrophic cardiomyopathy 9. Last evaluated: 2022-04-22. Review status: criteria provided, single submitter. Criteria: ACMG Guidelines, 2015. Collection method: research. Allele origin: germline.

NM_001267550.2(TTN):c.7375G>A (p.Gly2459Ser)

Genes: TTN (titin; minus strand), LOC126806433 (BRD4-independent group 4 enhancer GRCh37_chr2:179638309-179639508; plus strand). Cytogenetic location: 2q31.2.
Variant type: single nucleotide variant.
Coding change: c.7375G>A on transcript NM_001267550.2 (MANE Select); coding-DNA position 7375, G replaced by A.
Protein change: p.Gly2459Ser; replaces glycine 2459 with serine.
Molecular consequence: missense variant.
Genome position (GRCh38, 1-based): chr2:178,773,681, C>T on the plus strand (G>A on the coding strand, the complement: TTN is on the minus strand). VCF-style: chr2-178773681-C-T. GRCh37 (hg19) VCF-style: chr2-179638408-C-T.
Other names: c.7237G>A, p.Gly2413Ser (NM_003319.4, NM_133432.3, NM_133437.4); c.7375G>A, p.Gly2459Ser (NM_133378.4, NM_133379.5, NM_001256850.1); short protein forms G2413S, G2459S.
Identifiers: ClinVar variation 3892786 (VCV003892786.3).